The following is an entry in ClinVar:

NC_012920.1(MT-CO3):m.9210A>G

Gene: MT-CO3 (mitochondrially encoded cytochrome c oxidase III; plus strand).
Variant type: single nucleotide variant.
Genome position: chrM-9210-A-G.
Identifiers: ClinVar variation 693125 (VCV000693125.1), dbSNP rs1556423633, ClinGen allele CA414802436.

ClinVar aggregate classification (germline): Benign (1 of 4 stars; one submission).

Conditions:
Leigh syndrome (NULS). Also called: Leigh's necrotizing encephalopathy; Leigh's disease; Leigh Syndrome (mtDNA deletion); Leigh Disease; Subacute necrotizing encephalopathy; Necrotizing encephalopathy infantile subacute of Leigh. Identifiers: Orphanet 506, MedGen C2931891, MONDO:0009723, OMIM 256000.

Submission:

Wong Mito Lab, Molecular and Human Genetics, Baylor College of Medicine
Classification: Benign for Leigh syndrome. Last evaluated: 2019-10-17. Review status: criteria provided, single submitter. Criteria: Modified ACMG Guidelines (Unpublished). Collection method: clinical testing. Allele origin: germline.
Comment: The NC_012920.1:m.9210A>G (YP_003024032.1:p.Thr2Ala) variant in MTCO3 gene is interpretated to be a Benign variant based on the modified ACMG guidelines (unpublished). This variant meets the following evidence codes: BS1, BS2, BP4